The following is an entry in ClinVar:

ClinVar aggregate classification (germline): Likely benign (1 of 4 stars; one submission).

gnomAD v4.1: 19 of 1,613,706 alleles (0.0012%); highest among the groups gnomAD compares: South Asian, 0.0022%; no homozygotes.

Submission:

CeGaT Center for Human Genetics Tuebingen
Classification: Likely benign. Last evaluated: 2026-07-01. Review status: criteria provided, single submitter. Criteria: CeGaT Center For Human Genetics Tuebingen Variant Classification Criteria Version 2. Collection method: clinical testing. Allele origin: germline. Affected: yes. Observed: 1 variant allele.
Comment: CYB5R3: BP4, BP7

NM_000398.7(CYB5R3):c.636C>G (p.Thr212=)

Gene: CYB5R3 (cytochrome b5 reductase 3; minus strand). Cytogenetic location: 22q13.2.
Variant type: single nucleotide variant.
Coding change: c.636C>G on transcript NM_000398.7 (MANE Select); coding-DNA position 636, C replaced by G.
Protein change: p.Thr212=; no amino-acid change (threonine 212 retained).
Molecular consequence: synonymous variant.
Genome position (GRCh38, 1-based): chr22:42,623,886, G>C on the plus strand (C>G on the coding strand, the complement: CYB5R3 is on the minus strand). VCF-style: chr22-42623886-G-C. GRCh37 (hg19) VCF-style: chr22-43019892-G-C.
Other names: c.567C>G, p.Thr189= (NM_001129819.2, NM_001171661.1, NM_007326.4); c.735C>G, p.Thr245= (NM_001171660.2).
Identifiers: ClinVar variation 5039080 (VCV005039080.1).